The following is an entry in ClinVar:

ClinVar aggregate classification (germline): Uncertain significance (1 of 4 stars; one submission).

Conditions:
Sialuria. Also called: Sialic Acid Storage Disease; SIALURIA, FRENCH TYPE. Identifiers: Orphanet 3166, MedGen C0342853, MONDO:0010028, OMIM 269921.
GNE myopathy (NM). Also called: INCLUSION BODY MYOPATHY, HEREDITARY, AUTOSOMAL RECESSIVE; INCLUSION BODY MYOPATHY 2, AUTOSOMAL RECESSIVE; MYOPATHY, DISTAL, WITH OR WITHOUT RIMMED VACUOLES; Inclusion body myopathy quadriceps sparing; IBM 2; Inclusion body myopathy autosomal recessive. Identifiers: Orphanet 602, MedGen C1853926, MONDO:0011603, OMIM 605820.

Submission:

Labcorp Genetics (formerly Invitae), Labcorp
Classification: Uncertain significance for Sialuria; GNE myopathy. Last evaluated: 2023-10-04. Review status: criteria provided, single submitter. Criteria: Invitae Variant Classification Sherloc (09022015). Collection method: clinical testing. Allele origin: germline.
Comment: This sequence change replaces alanine, which is neutral and non-polar, with valine, which is neutral and non-polar, at codon 741 of the GNE protein (p.Ala741Val). This variant is not present in population databases (gnomAD no frequency). This variant has not been reported in the literature in individuals affected with GNE-related conditions. Advanced modeling of protein sequence and biophysical properties (such as structural, functional, and spatial information, amino acid conservation, physicochemical variation, residue mobility, and thermodynamic stability) has been performed at Invitae for this missense variant, however the output from this modeling did not meet the statistical confidence thresholds required to predict the impact of this variant on GNE protein function. In summary, the available evidence is currently insufficient to determine the role of this variant in disease. Therefore, it has been classified as a Variant of Uncertain Significance.

NM_005476.7(GNE):c.2129C>T (p.Ala710Val)

Gene: GNE (glucosamine (UDP-N-acetyl)-2-epimerase/N-acetylmannosamine kinase; minus strand). Cytogenetic location: 9p13.3.
Variant type: single nucleotide variant.
Coding change: c.2129C>T on transcript NM_005476.7 (MANE Select); coding-DNA position 2129, C replaced by T.
Protein change: p.Ala710Val; replaces alanine 710 with valine.
Molecular consequence: missense variant.
Genome position (GRCh38, 1-based): chr9:36,217,405, G>A on the plus strand (C>T on the coding strand, the complement: GNE is on the minus strand). VCF-style: chr9-36217405-G-A. GRCh37 (hg19) VCF-style: chr9-36217402-G-A.
Other names: c.2222C>T, p.Ala741Val (NM_001128227.3); c.1907C>T, p.Ala636Val (NM_001190383.3); c.1799C>T, p.Ala600Val (NM_001190384.3); c.1952C>T, p.Ala651Val (NM_001190388.2, NM_001374798.1); c.1976C>T, p.Ala659Val (NM_001374797.1); short protein forms A659V, A600V, A710V, A636V, A651V, A741V.
Identifiers: ClinVar variation 2952479 (VCV002952479.3), dbSNP rs2489580599, ClinGen allele CA373424232.
Genomic context (GRCh38, chr9:36,217,405, plus strand): 5'-CCATGTCTGTTCCTGGAGGTCTAGTAGATCCTGCGTGTTGTGTAGTCCAGAACCATGCTG[G>A]CAGCACCCAGCAGGGCGGGGTCAACCAAATCCGAAACCACCACATCCACGTCCTGCACGG-3'
Protein context (NP_005467.1, residues 700-720): DLVDPALLGA[Ala710Val]SMVLDYTTRR